The following is an entry in ClinVar:

NM_007214.5(SEC63):c.211A>T (p.Ile71Phe)

Gene: SEC63 (SEC63 protein translocation regulator; minus strand). Cytogenetic location: 6q21.
Variant type: single nucleotide variant.
Coding change: c.211A>T on transcript NM_007214.5 (MANE Select); coding-DNA position 211, A replaced by T.
Protein change: p.Ile71Phe; replaces isoleucine 71 with phenylalanine.
Molecular consequence: missense variant.
Genome position (GRCh38, 1-based): chr6:107,929,428, T>A on the plus strand (A>T on the coding strand, the complement: SEC63 is on the minus strand). VCF-style: chr6-107929428-T-A. GRCh37 (hg19) VCF-style: chr6-108250632-T-A.
Other names: short protein forms I71F.
Identifiers: ClinVar variation 4532011 (VCV004532011.1).

ClinVar aggregate classification (germline): Uncertain significance (1 of 4 stars; one submission).

Conditions:
Polycystic liver disease 2 (PCLD2). Also called: Polycystic liver disease 2 with or without kidney cysts. Identifiers: Orphanet 2924, MedGen C4310769, MONDO:0014860, OMIM 617004.

gnomAD v4.1: 27 of 1,560,298 alleles (0.0017%); highest among the groups gnomAD compares: Non-Finnish European, 0.0022%; no homozygotes.

Submission:

Victorian Clinical Genetics Services, Murdoch Childrens Research Institute
Classification: Uncertain significance for Polycystic liver disease 2. Last evaluated: 2025-07-31. Review status: criteria provided, single submitter. Criteria: ACMG Guidelines, 2015. Collection method: clinical testing. Allele origin: germline. Affected: yes.
Comment: This variant is classified as VUS-3C. Evidence in support of pathogenic classification: Variant is present in gnomAD <0.001 for a dominant condition (v4: 27 heterozygote(s), 0 homozygote(s)). Evidence in support of benign classification: Missense variant predicted to be tolerated by in silico tool(s) or not conserved in placental mammals with a minor amino acid change. Additional information: Variant is predicted to result in a missense amino acid change from Ile to Phe; This variant is heterozygous; This gene is associated with autosomal dominant disease; Alternative amino acid change(s) at the same position are present in gnomAD (Highest allele count: v4: 1 heterozygote(s), 0 homozygote(s)); This variant has no previous evidence of pathogenicity; No published evidence of segregation with disease has been identified for this variant; No published functional evidence has been identified for this variant; No comparable missense variants have previous evidence for pathogenicity; Variant is not located in an established domain, motif, hotspot or informative constraint region; Loss of function is a known mechanism of disease in this gene and is associated with polycystic liver disease 2 (MIM#617004) - Variants in this gene are known to have variable expressivity. Variable severity has been observed in individuals with the same variant (PMID: 20095989); Inheritance information for this variant is not currently available in this individual.

Literature cited by the submitters: PubMed 20095989.